The following is an entry in ClinVar:

NM_001080517.3(SETD5):c.1910A>C (p.Asn637Thr)

Gene: SETD5 (SET domain containing 5; plus strand). Cytogenetic location: 3p25.3.
Variant type: single nucleotide variant.
Coding change: c.1910A>C on transcript NM_001080517.3 (MANE Select); coding-DNA position 1910, A replaced by C.
Protein change: p.Asn637Thr; replaces asparagine 637 with threonine.
Molecular consequence: missense variant.
Genome position (GRCh38, 1-based): chr3:9,447,813, A>C. VCF-style: chr3-9447813-A-C. GRCh37 (hg19) VCF-style: chr3-9489497-A-C.
Other names: c.1616A>C, p.Asn539Thr (NM_001292043.2, NM_001349451.2); short protein forms N539T, N637T.
Identifiers: ClinVar variation 748771 (VCV000748771.14), dbSNP rs201561587, ClinGen allele CA2239324.

ClinVar aggregate classification (germline): Benign/Likely benign. Review status: criteria provided, multiple submitters, no conflicts (2 of 4 stars). 4 submissions from 4 submitters: Benign (1); Likely benign (2). 1 of the submissions does not count toward it. Last evaluated 2025-12-25.

Conditions:
SETD5-related disorder. Also called: SETD5-related disorders; SETD5-related condition.
Inborn genetic diseases. Identifiers: MedGen C0950123, MeSH D030342.

Allele frequency attached by ClinVar (database versions not stated): 1000 Genomes Project 0.00080; ESP Exome Variant Server 0.00081; 1000 Genomes Project 30x 0.00094; TOPMed 0.00104.
gnomAD v4.1: 362 of 1,614,058 alleles (0.022%); highest among the groups gnomAD compares: African/African-American, 0.3%; no homozygotes.

Submissions (4):

Labcorp Genetics (formerly Invitae), Labcorp
Classification: Likely benign. Last evaluated: 2025-12-25. Review status: criteria provided, single submitter. Criteria: Invitae Variant Classification Sherloc (09022015). Collection method: clinical testing. Allele origin: germline.

Ambry Genetics
Classification: Likely benign for Inborn genetic diseases. Last evaluated: 2025-02-07. Review status: criteria provided, single submitter. Criteria: Ambry Variant Classification Scheme 2023. Collection method: clinical testing. Allele origin: germline.

GeneDx
Classification: Benign. Last evaluated: 2020-12-14. Review status: criteria provided, single submitter. Criteria: GeneDx Variant Classification Process June 2021. Collection method: clinical testing. Allele origin: germline. Affected: yes.

PreventionGenetics, part of Exact Sciences
Classification: Benign for SETD5-related condition. Last evaluated: 2022-05-19. Review status: no assertion criteria provided. Collection method: clinical testing. Allele origin: germline. Not counted in ClinVar's aggregate classification.
Comment: This variant is classified as benign based on ACMG/AMP sequence variant interpretation guidelines (Richards et al. 2015 PMID: 25741868, with internal and published modifications).